The following is an entry in ClinVar:

NM_001267550.2(TTN):c.39094C>G (p.Pro13032Ala)

Gene: TTN (titin; minus strand). Cytogenetic location: 2q31.2.
Variant type: single nucleotide variant.
Coding change: c.39094C>G on transcript NM_001267550.2 (MANE Select); coding-DNA position 39094, C replaced by G.
Protein change: p.Pro13032Ala; replaces proline 13032 with alanine.
Molecular consequence: missense variant. On other transcripts: intron variant (3).
Genome position (GRCh38, 1-based): chr2:178,652,491, G>C on the plus strand (C>G on the coding strand, the complement: TTN is on the minus strand). VCF-style: chr2-178652491-G-C. GRCh37 (hg19) VCF-style: chr2-179517218-G-C.
Other names: c.34573C>G, p.Pro11525Ala (NM_001256850.1); c.31792C>G, p.Pro10598Ala (NM_133378.4); c.13283-10174C>G (NM_003319.4); c.13859-10174C>G (NM_133437.4); c.13658-10174C>G (NM_133432.3); short protein forms P13032A, P10598A, P11525A.
Identifiers: ClinVar variation 595749 (VCV000595749.6), dbSNP rs1019648857, ClinGen allele CA60969312.

ClinVar aggregate classification (germline): Uncertain significance. Review status: criteria provided, multiple submitters, no conflicts (2 of 4 stars). 2 submissions from 2 submitters: Uncertain significance (2). Last evaluated 2026-07-15.

Conditions:
TTN-related disorder. Also called: TTN-related condition; TTN-related disease; TTN-related disorders.

Allele frequency attached by ClinVar (database versions not stated): gnomAD 0.00002; TOPMed 0.00002.
gnomAD v4.1: 4 of 1,613,518 alleles (0.00025%); highest among the groups gnomAD compares: African/African-American, 0.0027%; no homozygotes.

Submissions (2):

PreventionGenetics, part of Exact Sciences
Classification: Uncertain significance for TTN-related condition. Last evaluated: 2026-07-15. Review status: criteria provided, single submitter. Criteria: ACMG Guidelines, 2015. Collection method: clinical testing. Allele origin: germline.
Comment: The TTN c.39094C>G variant is predicted to result in the amino acid substitution p.Pro13032Ala. To our knowledge, this variant has not been reported in the literature. This variant is reported in 0.011% of alleles in individuals of African descent in gnomAD. At this time, the clinical significance of this variant is uncertain due to the absence of conclusive functional and genetic evidence.

Eurofins Ntd Llc (ga)
Classification: Uncertain significance. Last evaluated: 2018-01-12. Review status: criteria provided, single submitter. Criteria: EGL Classification Definitions 2015. Collection method: clinical testing. Allele origin: germline. Observed: 1 variant allele.